The following is an entry in ClinVar:

ClinVar aggregate classification (germline): Uncertain significance (1 of 4 stars; one submission).

Conditions:
Hereditary breast ovarian cancer syndrome. Also called: Hereditary breast and ovarian cancer syndrome (HBOC); Hereditary breast and ovarian cancer; Hereditary breast and/or ovarian cancer syndrome; Hereditary breast and ovarian cancer syndrome; Breast and ovarian cancer; BRCA1- and BRCA2-Associated Hereditary Breast and Ovarian Cancer. Identifiers: Orphanet 145, MedGen C0677776, MeSH D061325, MONDO:0003582. Disease mechanism: loss of function.

Allele frequency attached by ClinVar (database versions not stated): gnomAD exomes below 0.00001.
gnomAD v4.1: 3 of 1,612,496 alleles (0.00019%); highest among the groups gnomAD compares: Non-Finnish European, 0.00017%; no homozygotes.

Submission:

Labcorp Genetics (formerly Invitae), Labcorp
Classification: Uncertain significance for Hereditary breast ovarian cancer syndrome. Last evaluated: 2021-11-25. Review status: criteria provided, single submitter. Criteria: Invitae Variant Classification Sherloc (09022015). Collection method: clinical testing. Allele origin: germline.
Comment: In summary, the available evidence is currently insufficient to determine the role of this variant in disease. Therefore, it has been classified as a Variant of Uncertain Significance. Advanced modeling of protein sequence and biophysical properties (such as structural, functional, and spatial information, amino acid conservation, physicochemical variation, residue mobility, and thermodynamic stability) performed at Invitae indicates that this missense variant is not expected to disrupt BRCA1 protein function. ClinVar contains an entry for this variant (Variation ID: 838225). This variant has not been reported in the literature in individuals affected with BRCA1-related conditions. This variant is not present in population databases (gnomAD no frequency). This sequence change replaces glutamine, which is neutral and polar, with lysine, which is basic and polar, at codon 202 of the BRCA1 protein (p.Gln202Lys).

NM_007294.4(BRCA1):c.604C>A (p.Gln202Lys)

Gene: BRCA1 (BRCA1 DNA repair associated; minus strand). Cytogenetic location: 17q21.31.
Variant type: single nucleotide variant.
Coding change: c.604C>A on transcript NM_007294.4 (MANE Select); coding-DNA position 604, C replaced by A.
Protein change: p.Gln202Lys; replaces glutamine 202 with lysine.
Molecular consequence: missense variant. On other transcripts: non-coding transcript variant (1).
Genome position (GRCh38, 1-based): chr17:43,095,912, G>T on the plus strand (C>A on the coding strand, the complement: BRCA1 is on the minus strand). VCF-style: chr17-43095912-G-T. GRCh37 (hg19) VCF-style: chr17-41247929-G-T.
Other names: c.391C>A, p.Gln131Lys (NM_001407571.1, NM_001407853.1, NM_001407894.1 and 12 more transcripts); c.604C>A, p.Gln202Lys (NM_001407581.1, NM_001407582.1, NM_001407583.1 and 59 more transcripts); c.601C>A, p.Gln201Lys (NM_001407587.1, NM_001407590.1, NM_001407591.1 and 41 more transcripts); c.595C>A, p.Gln199Lys (NM_001407646.1, NM_001407647.1, NM_001408408.1); c.526C>A, p.Gln176Lys (NM_001407653.1, NM_001407654.1, NM_001407655.1 and 9 more transcripts); c.523C>A, p.Gln175Lys (NM_001407659.1, NM_001407660.1, NM_001407661.1 and 3 more transcripts); c.463C>A, p.Gln155Lys (NM_001407692.1, NM_001407694.1, NM_001407695.1 and 43 more transcripts); c.460C>A, p.Gln154Lys (NM_001407740.1, NM_001407741.1, NM_001407742.1 and 26 more transcripts); and 4 more; short protein forms Q155K, Q202K, Q154K, Q74K, Q131K, Q201K, Q75K, Q132K.
Identifiers: ClinVar variation 838225 (VCV000838225.9), dbSNP rs2054117377, ClinGen allele CA10600900.